The following is an entry in ClinVar:

ClinVar aggregate classification (germline): Uncertain significance (1 of 4 stars; one submission).

Conditions:
PHIP-related disorder. Also called: PHIP-related condition; PHIP-related disorders.

gnomAD v4.1: 1 of 1,614,040 alleles (0.000062%); highest among the groups gnomAD compares: Non-Finnish European, 0.000085%; no homozygotes.

Submission:

PreventionGenetics, part of Exact Sciences
Classification: Uncertain significance for PHIP-related condition. Last evaluated: 2025-03-19. Review status: criteria provided, single submitter. Criteria: ACMG Guidelines, 2015. Collection method: clinical testing. Allele origin: germline.
Comment: The PHIP c.5000A>T variant is predicted to result in the amino acid substitution p.Gln1667Leu. To our knowledge, this variant has not been reported in the literature or in a large population database (gnomAD), indicating this variant is rare. At this time, the clinical significance of this variant is uncertain due to the absence of conclusive functional and genetic evidence.

NM_017934.7(PHIP):c.5000A>T (p.Gln1667Leu)

Genes: IRAK1BP1 (interleukin 1 receptor associated kinase 1 binding protein 1; plus strand), PHIP (PHIP subunit of CUL4-Ring ligase complex; minus strand). Cytogenetic location: 6q14.1.
Variant type: single nucleotide variant.
Coding change: c.5000A>T on transcript NM_017934.7 (MANE Select); coding-DNA position 5000, A replaced by T.
Protein change: p.Gln1667Leu; replaces glutamine 1667 with leucine.
Molecular consequence: missense variant.
Genome position (GRCh38, 1-based): chr6:78,941,159, T>A on the plus strand (A>T on the coding strand, the complement: PHIP is on the minus strand). VCF-style: chr6-78941159-T-A. GRCh37 (hg19) VCF-style: chr6-79650876-T-A.
Other names: short protein forms Q1667L.
Identifiers: ClinVar variation 5002211 (VCV005002211.1).